The following is an entry in ClinVar:

NM_001130009.3(GEN1):c.1489T>A (p.Cys497Ser)

Gene: GEN1 (GEN1 structure-specific endonuclease; plus strand). Cytogenetic location: 2p24.2.
Variant type: single nucleotide variant.
Coding change: c.1489T>A on transcript NM_001130009.3 (MANE Select); coding-DNA position 1489, T replaced by A.
Protein change: p.Cys497Ser; replaces cysteine 497 with serine.
Molecular consequence: missense variant.
Genome position (GRCh38, 1-based): chr2:17,780,701, T>A. VCF-style: chr2-17780701-T-A. GRCh37 (hg19) VCF-style: chr2-17961968-T-A.
Other names: c.1489T>A, p.Cys497Ser (NM_182625.5); c.1489T>A (NM_001130009.1); short protein forms C497S.
Identifiers: ClinVar variation 2418958 (VCV002418958.7), dbSNP rs2545626337, ClinGen allele CA345925970.

ClinVar aggregate classification (germline): Uncertain significance. Review status: criteria provided, multiple submitters, no conflicts (2 of 4 stars). 2 submissions from 2 submitters: Uncertain significance (2). Last evaluated 2025-03-18.

gnomAD v4.1: 3 of 1,613,936 alleles (0.00019%); highest among the groups gnomAD compares: Non-Finnish European, 0.00025%; no homozygotes.

Submissions (2):

Ambry Genetics
Classification: Uncertain significance. Last evaluated: 2025-03-18. Review status: criteria provided, single submitter. Criteria: Ambry Variant Classification Scheme 2023. Collection method: clinical testing. Allele origin: germline.
Comment: The p.C497S variant (also known as c.1489T>A), located in coding exon 13 of the GEN1 gene, results from a T to A substitution at nucleotide position 1489. The cysteine at codon 497 is replaced by serine, an amino acid with dissimilar properties. This amino acid position is conserved. In addition, this alteration is predicted to be tolerated by in silico analysis. Based on the available evidence, the clinical significance of this variant remains unclear.

Labcorp Genetics (formerly Invitae), Labcorp
Classification: Uncertain significance. Last evaluated: 2022-08-21. Review status: criteria provided, single submitter. Criteria: Invitae Variant Classification Sherloc (09022015). Collection method: clinical testing. Allele origin: germline.
Comment: This variant is not present in population databases (gnomAD no frequency). This variant has not been reported in the literature in individuals affected with GEN1-related conditions. Algorithms developed to predict the effect of missense changes on protein structure and function output the following: SIFT: "Tolerated"; PolyPhen-2: "Benign"; Align-GVGD: "Class C0". The serine amino acid residue is found in multiple mammalian species, which suggests that this missense change does not adversely affect protein function. In summary, the available evidence is currently insufficient to determine the role of this variant in disease. Therefore, it has been classified as a Variant of Uncertain Significance. This sequence change replaces cysteine, which is neutral and slightly polar, with serine, which is neutral and polar, at codon 497 of the GEN1 protein (p.Cys497Ser).